The following is an entry in ClinVar:

NM_000038.6(APC):c.4016G>T (p.Gly1339Val)

Gene: APC (APC regulator of Wnt signaling pathway; plus strand). Cytogenetic location: 5q22.2.
Variant type: single nucleotide variant.
Coding change: c.4016G>T on transcript NM_000038.6 (MANE Select); coding-DNA position 4016, G replaced by T.
Protein change: p.Gly1339Val; replaces glycine 1339 with valine.
Molecular consequence: missense variant. On other transcripts: non-coding transcript variant (2).
Genome position (GRCh38, 1-based): chr5:112,839,610, G>T. VCF-style: chr5-112839610-G-T. GRCh37 (hg19) VCF-style: chr5-112175307-G-T.
Other names: c.4016G>T, p.Gly1339Val (NM_001127510.3, NM_001354895.2, NM_001407450.1); c.3962G>T, p.Gly1321Val (NM_001127511.3); c.4070G>T, p.Gly1357Val (NM_001354896.2, NM_001407447.1, NM_001407448.1 and 1 more transcripts); c.4046G>T, p.Gly1349Val (NM_001354897.2); c.3941G>T, p.Gly1314Val (NM_001354898.2); c.3932G>T, p.Gly1311Val (NM_001354899.2); c.3893G>T, p.Gly1298Val (NM_001354900.2); c.3839G>T, p.Gly1280Val (NM_001354901.2, NM_001407453.1); and 11 more; short protein forms G1213V, G1298V, G1314V, G1357V, G1179V, G1210V, G1238V, G1311V.
Identifiers: ClinVar variation 4702276 (VCV004702276.1).

ClinVar aggregate classification (germline): Conflicting classifications of pathogenicity. Review status: criteria provided, conflicting classifications (1 of 4 stars). 2 submissions from 2 submitters: Uncertain significance (1); Likely benign (1). Last evaluated 2025-08-13.

Conditions:
Hereditary cancer-predisposing syndrome. Also called: Hereditary Cancer Syndrome; Tumor predisposition; Neoplastic Syndromes, Hereditary; Hereditary neoplastic syndrome. Identifiers: Orphanet 140162, MedGen C0027672, MeSH D009386, MONDO:0015356.
Familial adenomatous polyposis 1 (FAP1). Also called: FAMILIAL ADENOMATOUS POLYPOSIS 1, ATTENUATED; POLYPOSIS, ADENOMATOUS INTESTINAL. Identifiers: MedGen C2713442, MONDO:0021056, OMIM 175100. Disease mechanism: loss of function.

Submissions (2):

Color Diagnostics, LLC DBA Color Health
Classification: Likely benign for Hereditary cancer-predisposing syndrome. Last evaluated: 2025-08-13. Review status: criteria provided, single submitter. Criteria: ACMG Guidelines, 2015. Collection method: clinical testing. Allele origin: germline.

Labcorp Genetics (formerly Invitae), Labcorp
Classification: Uncertain significance for Familial adenomatous polyposis 1. Last evaluated: 2025-06-09. Review status: criteria provided, single submitter. Criteria: Invitae Variant Classification Sherloc (09022015). Collection method: clinical testing. Allele origin: germline.
Comment: This sequence change replaces glycine, which is neutral and non-polar, with valine, which is neutral and non-polar, at codon 1339 of the APC protein (p.Gly1339Val). This variant is not present in population databases (gnomAD no frequency). This variant has not been reported in the literature in individuals affected with APC-related conditions. Invitae Evidence Modeling of protein sequence and biophysical properties (such as structural, functional, and spatial information, amino acid conservation, physicochemical variation, residue mobility, and thermodynamic stability) indicates that this missense variant is not expected to disrupt APC protein function with a negative predictive value of 95%. In summary, the available evidence is currently insufficient to determine the role of this variant in disease. Therefore, it has been classified as a Variant of Uncertain Significance.